The following is an entry in ClinVar:

NM_007294.4(BRCA1):c.2522G>A (p.Arg841Gln)

Gene: BRCA1 (BRCA1 DNA repair associated; minus strand). Cytogenetic location: 17q21.31.
Variant type: single nucleotide variant.
Coding change: c.2522G>A on transcript NM_007294.4 (MANE Select); coding-DNA position 2522, G replaced by A.
Protein change: p.Arg841Gln; replaces arginine 841 with glutamine.
Molecular consequence: missense variant. On other transcripts: intron variant (137).
Genome position (GRCh38, 1-based): chr17:43,093,009, C>T on the plus strand (G>A on the coding strand, the complement: BRCA1 is on the minus strand). VCF-style: chr17-43093009-C-T. GRCh37 (hg19) VCF-style: chr17-41245026-C-T.
Other names: p.R841Q:CGG>CAG; 2641G>A; c.2378G>A, p.Arg793Gln (NM_001407849.1, NM_001407943.1, NM_001407964.1 and 20 more transcripts); c.2381G>A, p.Arg794Gln (NM_001407850.1, NM_001407851.1, NM_001407852.1 and 29 more transcripts); c.2309G>A, p.Arg770Gln (NM_001407853.1, NM_001407894.1, NM_001407895.1 and 9 more transcripts); c.2522G>A, p.Arg841Gln (NM_001407854.1, NM_001407858.1, NM_001407859.1 and 30 more transcripts); c.2519G>A, p.Arg840Gln (NM_001407860.1, NM_001407587.1, NM_001407590.1 and 22 more transcripts); c.2312G>A, p.Arg771Gln (NM_001407886.1, NM_001407887.1, NM_001407889.1 and 13 more transcripts); and 43 more; short protein forms R841Q, R794Q, R714Q, R729Q, R773Q, R799Q, R800Q, R673Q.
Identifiers: ClinVar variation 54591 (VCV000054591.56), dbSNP rs80357337, ClinGen allele CA001671.

ClinVar aggregate classification (germline): Benign/Likely benign. Review status: criteria provided, multiple submitters, no conflicts (2 of 4 stars). 18 submissions from 18 submitters: Benign (7); Likely benign (6). 5 of the submissions do not count toward it. Last evaluated 2026-01-18.

Conditions:
BRCA1-related disorder. Also called: BRCA1-related condition.
Hereditary cancer-predisposing syndrome. Also called: Hereditary Cancer Syndrome; Tumor predisposition; Neoplastic Syndromes, Hereditary; Hereditary neoplastic syndrome. Identifiers: Orphanet 140162, MedGen C0027672, MeSH D009386, MONDO:0015356.
Hereditary breast ovarian cancer syndrome. Also called: Breast and ovarian cancer; BRCA1- and BRCA2-Associated Hereditary Breast and Ovarian Cancer; Hereditary breast and ovarian cancer; Hereditary breast and ovarian cancer syndrome (HBOC); Hereditary breast and ovarian cancer syndrome; Hereditary breast and/or ovarian cancer syndrome. Identifiers: Orphanet 145, MedGen C0677776, MeSH D061325, MONDO:0003582. Disease mechanism: loss of function.
Breast-ovarian cancer, familial, susceptibility to, 1 (BROVCA1). Also called: BRCA1 Hereditary Breast and Ovarian Cancer; OVARIAN CANCER, SUSCEPTIBILITY TO. Identifiers: Orphanet 145, MedGen C2676676, MONDO:0011450, OMIM 604370. Disease mechanism: loss of function.
Malignant tumor of breast. Also called: Malignant breast neoplasm; Cancer breast. Identifiers: MedGen C0006142, MONDO:0007254. Disease mechanism: loss of function.

Allele frequency attached by ClinVar (database versions not stated): gnomAD 0.00006; gnomAD exomes 0.00004; TOPMed 0.00003; ExAC 0.00004.
gnomAD v4.1: 117 of 1,613,790 alleles (0.0073%); highest among the groups gnomAD compares: Non-Finnish European, 0.0089%; no homozygotes.

Submissions 1 to 14 of 18:

Labcorp Genetics (formerly Invitae), Labcorp
Classification: Benign for Hereditary breast ovarian cancer syndrome. Last evaluated: 2026-01-18. Review status: criteria provided, single submitter. Criteria: Invitae Variant Classification Sherloc (09022015). Collection method: clinical testing. Allele origin: germline.

Dasa
Classification: Benign for Breast-ovarian cancer, familial, susceptibility to, 1. Last evaluated: 2025-05-20. Review status: criteria provided, single submitter. Criteria: DASA Assertion Criteria. Collection method: clinical testing. Allele origin: germline.
Comment: NM_007294.4(BRCA1):c.2522G>A (p.Arg841Gln) is a missense variant that results in the substitution of arginine with glutamine. Population frequency is inconsistent with a disease-causing role for this variant, functional evidence is consistent with no deleterious impact on the gene or gene product, and the variant context is inconsistent with a known disease-causing mechanism. Therefore, based on the currently available evidence, this variant is classified as benign.

Molecular Diagnostics Laboratory, Catalan Institute of Oncology
Classification: Benign for Hereditary cancer-predisposing syndrome. Last evaluated: 2025-01-21. Review status: criteria provided, single submitter. Criteria: ClinGen BRCA1BRCA2 ACMG Specifications BRCA1 V1.0.0. Collection method: clinical testing. Allele origin: germline.
Comment: BS1_Supporting, BP1_Strong, BP5_Moderate, BS3 c.2522G>A, located in exon 10 (11 according BIC nomenclature) of the BRCA1 gene, is predicted to result in the substitution of Arg by Gln at codon 841, p.(Arg841Gln). This position is outside a (potentially) clinically important functional domain and, moreover, the SpliceAI algorithm predicts no significant impact on splicing (BP1_strong). The variant allele was found in 11/117920 alleles, with a filter allele frequency of 0.004% at 99% confidence, within the European (non-Finnish) population in the gnomAD v2.1.1 database (non-cancer data set) (BS1_Supporting). This variant has been reported by one calibrated study to affect protein function similar to benign control variants (PMID:23867111)(BS3). In addition, the variant has demonstrated to have no impact on splicing (PMID: 18273839). Published clinical data for a multifactorial likelihood analysis (PMID: 31131967) showed a combined LR=0,13 (BP5_Moderate). This variant has been reported in ClinVar (6x benign, 7x likely benign, 1x uncertain significance) and LOVD (1x benign, 5x likely benign, 26x uncertain significance) databases, and in BRCA Exchange database as not yet reviewed. Based on currently available information, the variant c.2522G>A should be considered a benign variant.

CeGaT Center for Human Genetics Tuebingen
Classification: Likely benign. Last evaluated: 2025-01-01. Review status: criteria provided, single submitter. Criteria: CeGaT Center For Human Genetics Tuebingen Variant Classification Criteria Version 2. Collection method: clinical testing. Allele origin: germline. Affected: yes. Observed: 5 variant alleles.
Comment: BRCA1: BP1, BP4, BS3:Supporting

Blueprint Genetics
Classification: Likely benign. Last evaluated: 2024-10-23. Review status: criteria provided, single submitter. Criteria: ACMG Guidelines, 2015. Collection method: clinical testing. Allele origin: germline.

PreventionGenetics, part of Exact Sciences
Classification: Likely benign for BRCA1-related condition. Last evaluated: 2024-10-02. Review status: criteria provided, single submitter. Criteria: ACMG Guidelines, 2015. Collection method: clinical testing. Allele origin: germline.
Comment: This variant is classified as likely benign based on ACMG/AMP sequence variant interpretation guidelines (Richards et al. 2015 PMID: 25741868, with internal and published modifications).

Color Diagnostics, LLC DBA Color Health
Classification: Benign for Hereditary cancer-predisposing syndrome. Last evaluated: 2024-09-17. Review status: criteria provided, single submitter. Criteria: ACMG Guidelines, 2015. Collection method: clinical testing. Allele origin: germline.

Sema4
Classification: Benign for Hereditary cancer-predisposing syndrome. Last evaluated: 2021-07-04. Review status: criteria provided, single submitter. Criteria: Sema4 Curation Guidelines. Collection method: curation. Allele origin: germline.

GeneDx
Classification: Likely benign. Last evaluated: 2021-05-24. Review status: criteria provided, single submitter. Criteria: GeneDx Variant Classification Process June 2021. Collection method: clinical testing. Allele origin: germline. Affected: yes.
Comment: This variant is associated with the following publications: (PMID: 20104584, 23867111, 15385441, 18273839, 21520273, 11400546, 8968716, 16267036, 23893897, 19370767, 33087888)

Women's Health and Genetics/Laboratory Corporation of America, LabCorp
Classification: Benign. Last evaluated: 2019-09-26. Review status: criteria provided, single submitter. Criteria: LabCorp Variant Classification Summary - May 2015. Collection method: clinical testing. Allele origin: germline.
Comment: Variant summary: BRCA1 c.2522G>A (p.Arg841Gln) results in a conservative amino acid change in the encoded protein sequence. Five of five in-silico tools predict a benign effect of the variant on protein function. The variant allele was found at a frequency of 4.2e-05 in 283280 control chromosomes (gnomAD). This frequency is not significantly higher than expected for a pathogenic variant in BRCA1 causing Hereditary Breast and Ovarian Cancer (4.2e-05 vs 0.001), allowing no conclusion about variant significance. The variant, c.2522G>A, has been reported in the literature in individuals affected with breast cancer and/or ovarian cancer (Barker_1996, Borg_2010, Judkins_2005, Schoumacher_2001, Brianese_2018, Zuntini_2018). These reports do not provide unequivocal conclusions about association of the variant with Hereditary Breast and Ovarian Cancer. Co-occurrences with other pathogenic variants have been reported (BRCA1 c.2126insA, [p.Phe709TyrfsX3; BRCA2 c.7069_7070delCT , p.Leu2357ValfsX2; BRCA1 c.5152+2T>G), providing supporting evidence for a benign role. Two publications have conducted functional studies: one used minigene splicing assays (Anczukow_2008) and one used functional complementation assays in cultured mouse embryonic stem cells (Bouwman_2013), both of which showed no significant effect on function caused by the variant. Six clinical diagnostic laboratories have submitted clinical-significance assessments for this variant to ClinVar after 2014 without evidence for independent evaluation. All laboratories classified the variant as benign/likely benign. Based on the evidence outlined above, the variant was classified as benign.

Genome Diagnostics Laboratory, University Medical Center Utrecht
Classification: Likely benign for Breast-ovarian cancer, familial, susceptibility to, 1. Last evaluated: 2017-07-28. Review status: criteria provided, single submitter. Criteria: ACGS Guidelines, 2013. Collection method: clinical testing. Allele origin: germline. Affected: yes. Study: VKGL Data-share Consensus.

Clinical Genetics DNA and cytogenetics Diagnostics Lab, Erasmus MC, Erasmus Medical Center
Classification: Likely benign for Breast-ovarian cancer, familial, susceptibility to, 1. Last evaluated: 2015-09-21. Review status: criteria provided, single submitter. Criteria: ACGS Guidelines, 2013. Collection method: clinical testing. Allele origin: germline. Affected: yes. Study: VKGL Data-share Consensus.

Ambry Genetics
Classification: Benign for Hereditary cancer-predisposing syndrome. Last evaluated: 2014-11-18. Review status: criteria provided, single submitter. Criteria: Ambry Variant Classification Scheme 2023. Collection method: clinical testing. Allele origin: germline.

Sharing Clinical Reports Project (SCRP)
Classification: Benign for Breast-ovarian cancer, familial 1. Last evaluated: 2012-05-01. Review status: no assertion criteria provided. Collection method: clinical testing. Allele origin: germline. Not counted in ClinVar's aggregate classification.